The following is an entry in ClinVar:

NM_000038.6(APC):c.-19+913G>T

Gene: APC (APC regulator of WNT signaling pathway; plus strand). Cytogenetic location: 5q22.2.
Variant type: single nucleotide variant.
Coding change: c.-19+913G>T on transcript NM_000038.6 (MANE Select); 913 bases into the intron after 19 bases upstream of the start codon, G replaced by T.
Molecular consequence: intron variant.
Genome position (GRCh38, 1-based): chr5:112,738,838, G>T. VCF-style: chr5-112738838-G-T. GRCh37 (hg19) VCF-style: chr5-112074535-G-T.
Other names: c.-18-16035G>T (NM_001354895.2); c.166-27488G>T (NM_001354897.2, NM_001354902.2, NM_001127511.3); c.-19+378G>T (NM_001127510.3); c.60+378G>T (NM_001354898.2, NM_001354904.2); c.-1054+913G>T (NM_001354906.2); c.-19+913G>T (NM_001354896.2, NM_001354903.2, NM_001354899.2); c.-43+913G>T (NM_001354900.2, NM_001354901.2, NM_001354905.2).
Identifiers: ClinVar variation 82333 (VCV000082333.2), dbSNP rs77802252, ClinGen allele CA007152.

ClinVar aggregate classification (germline): other (0 of 4 stars; one submission).

Conditions:
Familial colorectal cancer. Identifiers: MedGen CN280943, MONDO:0023113. Disease mechanism: loss of function.

Submission:

Systems Biology Platform Zhejiang California International NanoSystems Institute
Classification: other for Familial colorectal cancer. Review status: no assertion criteria provided. Collection method: not provided. Allele origin: unknown.
ClinVar note: Converted during submission from cancer to other.